The following is an entry in ClinVar:

ClinVar aggregate classification (germline): Pathogenic. Review status: criteria provided, multiple submitters, no conflicts (2 of 4 stars). 2 submissions from 2 submitters: Pathogenic (2). Last evaluated 2018-02-23.

Conditions:
Hereditary cancer-predisposing syndrome. Also called: Neoplastic Syndromes, Hereditary; Tumor predisposition; Hereditary Cancer Syndrome; Hereditary neoplastic syndrome. Identifiers: Orphanet 140162, MedGen C0027672, MeSH D009386, MONDO:0015356.

Submissions (2):

Quest Diagnostics Nichols Institute San Juan Capistrano
Classification: Pathogenic. Last evaluated: 2018-02-23. Review status: criteria provided, single submitter. Criteria: Quest Diagnostics criteria. Collection method: clinical testing. Allele origin: germline.

Ambry Genetics
Classification: Pathogenic for Hereditary cancer-predisposing syndrome. Last evaluated: 2015-05-18. Review status: criteria provided, single submitter. Criteria: Ambry Autosomal Dominant and X-Linked criteria (10/2015). Collection method: clinical testing. Allele origin: germline. Observed: 1 variant allele.
Comment: The c.4400_4418delinsTTT pathogenic mutation(also known as 4519del19ins3), located in coding exon 12 of the BRCA1 gene, results from the deletion of 19 nucleotides and insertion of 3 nucleotides causing a translational frameshift with a predicted alternate stop codon. Since frameshifts are typically deleterious in nature, this alteration is interpreted as a disease-causing mutation (ACMG Recommendations for Standards for Interpretation and Reporting of Sequence Variations. Revision 2007. Genet Med. 2008;10:294).

NM_007294.4(BRCA1):c.4400_4418delinsTTT (p.Gln1467fs)

Gene: BRCA1 (BRCA1 DNA repair associated; minus strand). Cytogenetic location: 17q21.31.
Variant type: Indel.
Coding change: c.4400_4418delinsTTT on transcript NM_007294.4 (MANE Select); coding-DNA positions 4400 to 4418, AGAATCCAGAAGGCCTTTC replaced by TTT.
Protein change: p.Gln1467fs; shifts the reading frame from glutamine 1467.
Molecular consequence: frameshift variant. On other transcripts: non-coding transcript variant (1).
Genome position (GRCh38, 1-based): chr17:43,076,554-43,076,572, GAAAGGCCTTCTGGATTCT replaced by AAA on the plus strand (AGAATCCAGAAGGCCTTTC replaced by TTT on the coding strand, the reverse complement: BRCA1 is on the minus strand). VCF-style: chr17-43076554-GAAAGGCCTTCTGGATTCT-AAA. GRCh37 (hg19) VCF-style: chr17-41228571-GAAAGGCCTTCTGGATTCT-AAA.
Other names: c.1085_1103del19insTTT, p.Gln362Leufs (NM_001408473.1, NM_001408392.1, NM_001408396.1 and 8 more transcripts); c.890_908del19insTTT, p.Gln297Leufs (NM_001408474.1); c.887_905del19insTTT, p.Gln296Leufs (NM_001408475.1, NM_001408476.1); c.881_899del19insTTT, p.Gln294Leufs (NM_001408478.1, NM_001408479.1, NM_001408480.1); c.878_896del19insTTT, p.Gln293Leufs (NM_001408481.1, NM_001408482.1, NM_001408483.1 and 5 more transcripts); c.875_893del19insTTT, p.Gln292Leufs (NM_001408492.1, NM_001408493.1); c.851_869del19insTTT, p.Gln284Leufs (NM_001408494.1); c.845_863del19insTTT, p.Gln282Leufs (NM_001408495.1); and 71 more; short protein forms Q363fs, Q1420fs, Q1467fs, Q1488fs.
Identifiers: ClinVar variation 231705 (VCV000231705.6), dbSNP rs876659310, ClinGen allele CA10580522.